The following is an entry in ClinVar:

NM_000553.6(WRN):c.1672_1673insGGAAT (p.His558fs)

Gene: WRN (WRN RecQ like helicase; plus strand). Cytogenetic location: 8p12.
Variant type: Insertion.
Coding change: c.1672_1673insGGAAT on transcript NM_000553.6 (MANE Select); coding-DNA positions 1672 to 1673, GGAAT inserted.
Protein change: p.His558fs; shifts the reading frame from histidine 558.
Molecular consequence: frameshift variant.
Genome position: GRCh38 VCF-style: chr8-31090484-C-CGGAAT. GRCh37 (hg19) VCF-style: chr8-30948000-C-CGGAAT.
Other names: short protein forms H558fs.
Identifiers: ClinVar variation 2773239 (VCV002773239.3), dbSNP rs2535930261, ClinGen allele CA2697549863.

ClinVar aggregate classification (germline): Pathogenic (1 of 4 stars; one submission).

Conditions:
Werner syndrome (WRN). Identifiers: Orphanet 902, MedGen C0043119, MONDO:0010196, OMIM 277700.

Submission:

Labcorp Genetics (formerly Invitae), Labcorp
Classification: Pathogenic for Werner syndrome. Last evaluated: 2023-11-01. Review status: criteria provided, single submitter. Criteria: Invitae Variant Classification Sherloc (09022015). Collection method: clinical testing. Allele origin: germline.
Comment: This sequence change creates a premature translational stop signal (p.His558Argfs*6) in the WRN gene. It is expected to result in an absent or disrupted protein product. Loss-of-function variants in WRN are known to be pathogenic (PMID: 16673358). This variant is not present in population databases (gnomAD no frequency). This variant has not been reported in the literature in individuals affected with WRN-related conditions. For these reasons, this variant has been classified as Pathogenic.

Literature cited by the submitters: PubMed 16673358.